The following is an entry in ClinVar:

NM_001009944.3(PKD1):c.1792_1809dup (p.Ala603_Gln604insGluLeuArgArgProAla)

Gene: PKD1 (polycystin 1, transient receptor potential channel interacting; minus strand). Cytogenetic location: 16p13.3.
Variant type: Duplication.
Coding change: c.1792_1809dup on transcript NM_001009944.3 (MANE Select); coding-DNA positions 1792 to 1809, 18 bases duplicated (GAGCTCCGGCGGCCCGCC).
Protein change: p.Ala603_Gln604insGluLeuArgArgProAla.
Molecular consequence: inframe insertion.
Genome position (GRCh38, 1-based): chr16:2,116,032-2,116,049, GGCGGGCCGCCGGAGCTC duplicated on the plus strand (GAGCTCCGGCGGCCCGCC on the coding strand, the reverse complement: PKD1 is on the minus strand). VCF-style (leftmost placement, unchanged base first): chr16-2116031-G-GGGCGGGCCGCCGGAGCTC. GRCh37 (hg19) VCF-style: chr16-2166032-G-GGGCGGGCCGCCGGAGCTC.
Other names: c.1792_1809dup, p.Ala603_Gln604insGluLeuArgArgProAla (NM_000296.4).
Identifiers: ClinVar variation 3213444 (VCV003213444.1), dbSNP rs2544866022, ClinGen allele CA2825002374.

ClinVar aggregate classification (germline): Uncertain significance (1 of 4 stars; one submission).

Conditions:
Inborn genetic diseases. Identifiers: MedGen C0950123, MeSH D030342.

Submission:

Ambry Genetics
Classification: Uncertain significance for Inborn genetic diseases. Last evaluated: 2024-01-02. Review status: criteria provided, single submitter. Criteria: Ambry Variant Classification Scheme 2023. Collection method: clinical testing. Allele origin: germline.
Comment: The c.1792_1809dupGAGCTCCGGCGGCCCGCC (p.E598_A603dup) alteration is located in exon 9 (coding exon 9) of the PKD1 gene. The alteration consists of an in-frame duplication of 18 nucleotides from position 1792 to 1809, resulting in the duplication of <NA> residues. Based on insufficient or conflicting evidence, the clinical significance of this alteration remains unclear.